The following is an entry in ClinVar:

ClinVar aggregate classification (germline): Uncertain significance (1 of 4 stars; one submission).

Allele frequency attached by ClinVar (database versions not stated): gnomAD exomes below 0.00001.
gnomAD v4.1: 1 of 1,612,812 alleles (0.000062%); highest among the groups gnomAD compares: Non-Finnish European, 0.000085%; no homozygotes.

Submission:

Labcorp Genetics (formerly Invitae), Labcorp
Classification: Uncertain significance. Last evaluated: 2022-11-29. Review status: criteria provided, single submitter. Criteria: Invitae Variant Classification Sherloc (09022015). Collection method: clinical testing. Allele origin: germline.
Comment: This sequence change replaces lysine, which is basic and polar, with glutamic acid, which is acidic and polar, at codon 293 of the KCNQ5 protein (p.Lys293Glu). This variant is not present in population databases (gnomAD no frequency). This variant has not been reported in the literature in individuals affected with KCNQ5-related conditions. Advanced modeling of protein sequence and biophysical properties (such as structural, functional, and spatial information, amino acid conservation, physicochemical variation, residue mobility, and thermodynamic stability) performed at Invitae indicates that this missense variant is not expected to disrupt KCNQ5 protein function. In summary, the available evidence is currently insufficient to determine the role of this variant in disease. Therefore, it has been classified as a Variant of Uncertain Significance.

NM_019842.4(KCNQ5):c.877A>G (p.Lys293Glu)

Gene: KCNQ5 (potassium voltage-gated channel subfamily Q member 5; plus strand). Cytogenetic location: 6q13.
Variant type: single nucleotide variant.
Coding change: c.877A>G on transcript NM_019842.4 (MANE Select); coding-DNA position 877, A replaced by G.
Protein change: p.Lys293Glu; replaces lysine 293 with glutamic acid.
Molecular consequence: missense variant.
Genome position (GRCh38, 1-based): chr6:73,077,846, A>G. VCF-style: chr6-73077846-A-G. GRCh37 (hg19) VCF-style: chr6-73787569-A-G.
Other names: c.877A>G, p.Lys293Glu (NM_001160130.2, NM_001160132.2, NM_001160133.2 and 1 more transcripts); short protein forms K293E.
Identifiers: ClinVar variation 2798838 (VCV002798838.3), dbSNP rs2533593565, ClinGen allele CA364826682.